The following is an entry in ClinVar:

ClinVar aggregate classification (germline): Likely pathogenic (1 of 4 stars; one submission).

Conditions:
Mucopolysaccharidosis type 1. Also called: IDUA deficiency; MPS I; Mucopolysaccharidosis Type I. Identifiers: Orphanet 579, MedGen C0023786, MONDO:0001586.

Submission:

Labcorp Genetics (formerly Invitae), Labcorp
Classification: Likely pathogenic for Mucopolysaccharidosis type 1. Last evaluated: 2021-10-22. Review status: criteria provided, single submitter. Criteria: Invitae Variant Classification Sherloc (09022015). Collection method: clinical testing. Allele origin: germline.
Comment: In summary, the currently available evidence indicates that the variant is pathogenic, but additional data are needed to prove that conclusively. Therefore, this variant has been classified as Likely Pathogenic. Advanced modeling of protein sequence and biophysical properties (such as structural, functional, and spatial information, amino acid conservation, physicochemical variation, residue mobility, and thermodynamic stability) performed at Invitae indicates that this missense variant is expected to disrupt IDUA protein function. This missense change has been observed in individual(s) with mucopolysaccharidosis type I (PMID: 7951228, 9748610). This variant is not present in population databases (ExAC no frequency). This sequence change replaces arginine with proline at codon 489 of the IDUA protein (p.Arg489Pro). The arginine residue is weakly conserved and there is a moderate physicochemical difference between arginine and proline.

Literature cited by the submitters: PubMed 7951228; PubMed 9748610.

NM_000203.5(IDUA):c.1466G>C (p.Arg489Pro)

Gene: IDUA (alpha-L-iduronidase; plus strand). Cytogenetic location: 4p16.3.
Variant type: single nucleotide variant.
Coding change: c.1466G>C on transcript NM_000203.5 (MANE Select); coding-DNA position 1466, G replaced by C.
Protein change: p.Arg489Pro; replaces arginine 489 with proline.
Molecular consequence: missense variant. On other transcripts: non-coding transcript variant (1).
Genome position (GRCh38, 1-based): chr4:1,003,099, G>C. VCF-style: chr4-1003099-G-C. GRCh37 (hg19) VCF-style: chr4-996887-G-C.
Other names: c.1070G>C, p.Arg357Pro (NM_001363576.1); short protein forms R357P, R489P.
Identifiers: ClinVar variation 1518214 (VCV001518214.6), dbSNP rs1416328981, ClinGen allele CA355964650.
Genomic context (GRCh38, chr4:1,003,099, plus strand): 5'-TGGTCTACGTCACGCGCTACCTGGACAACGGGCTCTGCAGCCCCGACGGCGAGTGGCGGC[G>C]CCTGGGCCGGCCCGTCTTCCCCACGGCAGAGCAGTTCCGGCGCATGCGCGCGGCTGAGGT-3'
Protein context (NP_000194.2, residues 479-499): GLCSPDGEWR[Arg489Pro]LGRPVFPTAE